The following is an entry in ClinVar:

ClinVar aggregate classification (germline): Likely benign (0 of 4 stars; one submission).

Conditions:
PLXNA3-related disorder. Also called: PLXNA3-related condition.

Allele frequency attached by ClinVar (database versions not stated): ExAC 0.00001; gnomAD 0.00001; gnomAD exomes 0.00002; TOPMed 0.00002.

Submission:

PreventionGenetics, part of Exact Sciences
Classification: Likely benign for PLXNA3-related condition. Last evaluated: 2021-12-17. Review status: no assertion criteria provided. Collection method: clinical testing. Allele origin: germline.
Comment: This variant is classified as likely benign based on ACMG/AMP sequence variant interpretation guidelines (Richards et al. 2015 PMID: 25741868, with internal and published modifications).

NM_017514.5(PLXNA3):c.2181G>A (p.Gly727=)

Gene: PLXNA3 (plexin A3; plus strand). Cytogenetic location: Xq28.
Variant type: single nucleotide variant.
Coding change: c.2181G>A on transcript NM_017514.5 (MANE Select); coding-DNA position 2181, G replaced by A.
Protein change: p.Gly727=; no amino-acid change (glycine 727 retained).
Molecular consequence: synonymous variant.
Genome position (GRCh38, 1-based): chrX:154,465,155, G>A. VCF-style: chrX-154465155-G-A. GRCh37 (hg19) VCF-style: chrX-153693498-G-A.
Identifiers: ClinVar variation 3031665 (VCV003031665.2), dbSNP rs781996131, ClinGen allele CA10564292.
Genomic context (GRCh38, chrX:154,465,155, plus strand): 5'-GAACCTACCTCAGCCGCAGTCGGGCCAGAAGAACTATGAGTGCGTGGTGCGGGTGCAGGG[G>A]CGGCAGCAGCGGGTGCCTGCCGTGCGCTTCAACAGCAGCAGTGTGCAGTGCCAGAACGCC-3'
Protein context (NP_059984.3, residues 717-737): KNYECVVRVQ[Gly727=]RQQRVPAVRF